The following is an entry in ClinVar:

NM_001017930.2(DCAF8L1):c.365G>C (p.Arg122Pro)

Gene: DCAF8L1 (DDB1 and CUL4 associated factor 8 like 1; minus strand). Cytogenetic location: Xp21.3.
Variant type: single nucleotide variant.
Coding change: c.365G>C on transcript NM_001017930.2 (MANE Select); coding-DNA position 365, G replaced by C.
Protein change: p.Arg122Pro; replaces arginine 122 with proline.
Molecular consequence: missense variant.
Genome position (GRCh38, 1-based): chrX:27,980,970, C>G on the plus strand (G>C on the coding strand, the complement: DCAF8L1 is on the minus strand). VCF-style: chrX-27980970-C-G. GRCh37 (hg19) VCF-style: chrX-27999087-C-G.
Other names: short protein forms R122P.
Identifiers: ClinVar variation 4869592 (VCV004869592.1).

ClinVar aggregate classification (germline): Uncertain significance (1 of 4 stars; one submission).

Submission:

Ambry Genetics
Classification: Uncertain significance. Last evaluated: 2026-05-11. Review status: criteria provided, single submitter. Criteria: Ambry Variant Classification Scheme 2023. Collection method: clinical testing. Allele origin: germline.
Comment: The c.365G>C (p.R122P) alteration is located in exon 1 (coding exon 1) of the DCAF8L1 gene. This alteration results from a G to C substitution at nucleotide position 365, causing the arginine (R) at amino acid position 122 to be replaced by a proline (P). Based on data from gnomAD, the C allele has an overall frequency of 0.001% (2/204378) total alleles studied. The highest observed frequency was 0.011% (2/19009) of African alleles. Based on insufficient or conflicting evidence, the clinical significance of this alteration remains unclear.